The following is an entry in ClinVar:

NM_000642.3(AGL):c.3955G>C (p.Ala1319Pro)

Gene: AGL (amylo-alpha-1,6-glucosidase and 4-alpha-glucanotransferase; plus strand). Cytogenetic location: 1p21.2.
Variant type: single nucleotide variant.
Coding change: c.3955G>C on transcript NM_000642.3 (MANE Select); coding-DNA position 3955, G replaced by C.
Protein change: p.Ala1319Pro; replaces alanine 1319 with proline.
Molecular consequence: missense variant.
Genome position (GRCh38, 1-based): chr1:99,913,532, G>C. VCF-style: chr1-99913532-G-C. GRCh37 (hg19) VCF-style: chr1-100379088-G-C.
Other names: c.3955G>C, p.Ala1319Pro (NM_000028.3, NM_000643.3, NM_000644.3 and 1 more transcripts); c.3907G>C, p.Ala1303Pro (NM_000646.3); c.3934G>C, p.Ala1312Pro (NM_001425326.1); c.3754G>C, p.Ala1252Pro (NM_001425327.1); c.3751G>C, p.Ala1251Pro (NM_001425328.1); c.3616G>C, p.Ala1206Pro (NM_001425329.1); c.3577G>C, p.Ala1193Pro (NM_001425332.1); short protein forms A1319P, A1303P, A1193P, A1206P, A1251P, A1252P, A1312P.
Identifiers: ClinVar variation 1946967 (VCV001946967.2), dbSNP rs1268881357, ClinGen allele CA341339336.

ClinVar aggregate classification (germline): Uncertain significance (1 of 4 stars; one submission).

Conditions:
Glycogen storage disease type III (GSD3). Also called: Cori disease; FORBES DISEASE. Identifiers: Orphanet 366, MedGen C0017922, MONDO:0009291, OMIM 232400.

gnomAD v4.1: 2 of 1,611,692 alleles (0.00012%); highest among the groups gnomAD compares: Admixed American, 0.0033%; no homozygotes.

Submission:

Labcorp Genetics (formerly Invitae), Labcorp
Classification: Uncertain significance for Glycogen storage disease type III. Last evaluated: 2021-12-22. Review status: criteria provided, single submitter. Criteria: Invitae Variant Classification Sherloc (09022015). Collection method: clinical testing. Allele origin: germline.
Comment: This sequence change replaces alanine, which is neutral and non-polar, with proline, which is neutral and non-polar, at codon 1319 of the AGL protein (p.Ala1319Pro). This variant is present in population databases (no rsID available, gnomAD 0.006%). This variant has not been reported in the literature in individuals affected with AGL-related conditions. Algorithms developed to predict the effect of missense changes on protein structure and function (SIFT, PolyPhen-2, Align-GVGD) all suggest that this variant is likely to be tolerated. In summary, the available evidence is currently insufficient to determine the role of this variant in disease. Therefore, it has been classified as a Variant of Uncertain Significance.